The following is an entry in ClinVar:

NM_004991.4(MECOM):c.2434G>T (p.Asp812Tyr)

Gene: MECOM (MDS1 and EVI1 complex locus; minus strand). Cytogenetic location: 3q26.2.
Variant type: single nucleotide variant.
Coding change: c.2434G>T on transcript NM_004991.4 (MANE Select); coding-DNA position 2434, G replaced by T.
Protein change: p.Asp812Tyr; replaces aspartic acid 812 with tyrosine.
Molecular consequence: missense variant.
Genome position (GRCh38, 1-based): chr3:169,115,438, C>A on the plus strand (G>T on the coding strand, the complement: MECOM is on the minus strand). VCF-style: chr3-169115438-C-A. GRCh37 (hg19) VCF-style: chr3-168833226-C-A.
Other names: c.2065G>T, p.Asp689Tyr (NM_001105077.4); c.1870G>T, p.Asp624Tyr (NM_001105078.4, NM_001164000.2, NM_001205194.2 and 4 more transcripts); c.1873G>T, p.Asp625Tyr (NM_001163999.2, NM_001366467.2, NM_001366468.2 and 1 more transcripts); c.2434G>T, p.Asp812Tyr (NM_001366466.2); c.1462G>T, p.Asp488Tyr (NM_001366473.2); c.898G>T, p.Asp300Tyr (NM_001366474.2); short protein forms D689Y, D488Y, D625Y, D812Y, D300Y, D624Y.
Identifiers: ClinVar variation 3871694 (VCV003871694.1).
Genomic context (GRCh38, chr3:169,115,438, plus strand): 5'-CTTACCTGTAAATAGGGTCCATAAAGAAAGGAGTGGGTCTTGCATGCTGCAAGGAACCAT[C>A]TGAAGCAGGTCTTGATTCGACGTTGCTTCCTTTTTTTCCCCCAAACACGTGGTTTTTTCG-3'
Protein context (NP_004982.2, residues 802-822): GSNVESRPAS[Asp812Tyr]GSLQHARPTP

ClinVar aggregate classification (germline): Uncertain significance (1 of 4 stars; one submission).

Conditions:
Inborn genetic diseases. Identifiers: MedGen C0950123, MeSH D030342.

gnomAD v4.1: 4 of 1,614,072 alleles (0.00025%); highest among the groups gnomAD compares: Non-Finnish European, 0.00034%; no homozygotes.

Submission:

Ambry Genetics
Classification: Uncertain significance for Inborn genetic diseases. Last evaluated: 2025-01-10. Review status: criteria provided, single submitter. Criteria: Ambry Variant Classification Scheme 2023. Collection method: clinical testing. Allele origin: germline.
Comment: The p.D812Y variant (also known as c.2434G>T), located in coding exon 8 of the MECOM gene, results from a G to T substitution at nucleotide position 2434. The aspartic acid at codon 812 is replaced by tyrosine, an amino acid with highly dissimilar properties. This amino acid position is conserved. In addition, this alteration is predicted to be tolerated by in silico analysis. Based on the available evidence, the clinical significance of this variant remains unclear.